The following is an entry in ClinVar:

NM_017780.4(CHD7):c.8040A>G (p.Ala2680=)

Gene: CHD7 (chromodomain helicase DNA binding protein 7; plus strand). Cytogenetic location: 8q12.2.
Variant type: single nucleotide variant.
Coding change: c.8040A>G on transcript NM_017780.4 (MANE Select); coding-DNA position 8040, A replaced by G.
Protein change: p.Ala2680=; no amino-acid change (alanine 2680 retained).
Molecular consequence: synonymous variant.
Genome position (GRCh38, 1-based): chr8:60,862,616, A>G. VCF-style: chr8-60862616-A-G. GRCh37 (hg19) VCF-style: chr8-61775175-A-G.
Other names: c.1893A>G, p.Ala631= (NM_001316690.1); c.8040A>G (NM_017780.3).
Identifiers: ClinVar variation 1170793 (VCV001170793.12), dbSNP rs576905094, ClinGen allele CA4760937.

ClinVar aggregate classification (germline): Benign/Likely benign. Review status: criteria provided, multiple submitters, no conflicts (2 of 4 stars). 3 submissions from 3 submitters: Benign (1); Likely benign (1). 1 of the submissions does not count toward it. Last evaluated 2025-12-03.

Conditions:
CHD7-related disorder. Also called: CHD7-related condition.
CHARGE syndrome (CHARGE). Also called: Hittner Hirsch Kreh syndrome; CHARGE ASSOCIATION--COLOBOMA, HEART ANOMALY, CHOANAL ATRESIA, RETARDATION, GENITAL AND EAR ANOMALIES; Coloboma, heart anomaly, choanal atresia, retardation, genital and ear anomalies; CHARGE association; Hall-Hittner syndrome. Identifiers: Orphanet 138, MedGen C0265354, MONDO:0008965.

Allele frequency attached by ClinVar (database versions not stated): gnomAD 0.00001; gnomAD exomes 0.00001 and 0.00008; TOPMed 0.00002; ExAC 0.00003; 1000 Genomes Project 30x 0.00016; 1000 Genomes Project 0.00020.
gnomAD v4.1: 19 of 1,572,032 alleles (0.0012%); highest among the groups gnomAD compares: East Asian, 0.042%; no homozygotes.

Submissions (3):

Labcorp Genetics (formerly Invitae), Labcorp
Classification: Benign for CHARGE syndrome. Last evaluated: 2025-12-03. Review status: criteria provided, single submitter. Criteria: Invitae Variant Classification Sherloc (09022015). Collection method: clinical testing. Allele origin: germline.

Blueprint Genetics
Classification: Likely benign. Last evaluated: 2024-10-17. Review status: criteria provided, single submitter. Criteria: ACMG Guidelines, 2015. Collection method: clinical testing. Allele origin: germline.

PreventionGenetics, part of Exact Sciences
Classification: Likely benign for CHD7-related condition. Last evaluated: 2021-04-01. Review status: no assertion criteria provided. Collection method: clinical testing. Allele origin: germline. Not counted in ClinVar's aggregate classification.
Comment: This variant is classified as likely benign based on ACMG/AMP sequence variant interpretation guidelines (Richards et al. 2015 PMID: 25741868, with internal and published modifications).